The following is an entry in ClinVar:

NC_000003.11:g.(?_57130421)_(58520833_?)del

Genes: DNAH12 (dynein axonemal heavy chain 12; minus strand), SLMAP (sarcolemma associated protein; plus strand), PXK (PX domain containing serine/threonine kinase like; plus strand), DENND6A (DENN domain containing 6A; minus strand), IL17RD (interleukin 17 receptor D; minus strand) and 12 more. Cytogenetic location: 3p14.3.
Variant type: Deletion.
Identifiers: ClinVar variation 2423438 (VCV002423438.3).

ClinVar aggregate classification (germline): Uncertain significance (1 of 4 stars; one submission).

Conditions:
Pyruvate dehydrogenase E1-beta deficiency (PDHBD). Identifiers: Orphanet 255138, Orphanet 765, MedGen C3279841, MONDO:0013580, OMIM 614111.

Submission:

Labcorp Genetics (formerly Invitae), Labcorp
Classification: Uncertain significance for Pyruvate dehydrogenase E1-beta deficiency. Last evaluated: 2022-07-25. Review status: criteria provided, single submitter. Criteria: Invitae Variant Classification Sherloc (09022015). Collection method: clinical testing. Allele origin: germline.
Comment: A gross deletion of the genomic region encompassing the full coding sequence of the PDHB gene has been identified. The current clinical and genetic evidence is not sufficient to establish whether loss-of-function variants in PDHB cause disease. The boundaries of this event are unknown as they extend beyond the assayed region for this gene and therefore may encompass additional genes. This variant has not been reported in the literature in individuals affected with PDHB-related conditions. Experimental studies and prediction algorithms are not available or were not evaluated, and the functional significance of this variant is currently unknown. In summary, the available evidence is currently insufficient to determine the role of this variant in disease. Therefore, it has been classified as a Variant of Uncertain Significance.